The following is an entry in ClinVar:

NM_000373.4(UMPS):c.*4739G>T

Gene: UMPS (uridine monophosphate synthetase; plus strand). Cytogenetic location: 3q21.2.
Variant type: single nucleotide variant.
Coding change: c.*4739G>T on transcript NM_000373.4 (MANE Select); 4739 bases downstream of the stop codon, G replaced by T.
Molecular consequence: 3 prime UTR variant. On other transcripts: non-coding transcript variant (2).
Genome position (GRCh38, 1-based): chr3:124,748,823, G>T. VCF-style: chr3-124748823-G-T. GRCh37 (hg19) VCF-style: chr3-124467670-G-T.
Identifiers: ClinVar variation 900216 (VCV000900216.4), dbSNP rs73858830, ClinGen allele CA2582188.

ClinVar aggregate classification (germline): Benign (1 of 4 stars; one submission).

Conditions:
Oroticaciduria. Also called: Orotic aciduria. Identifiers: Orphanet 30, MedGen C0268128, HP:0003218.

Allele frequency attached by ClinVar (database versions not stated): ExAC 0.00377; TOPMed 0.01315; gnomAD 0.01192 and 0.01271; 1000 Genomes Project 30x 0.01655; gnomAD exomes 0.00137 and 0.00317; 1000 Genomes Project 0.01597.
gnomAD v4.1: 2,150 of 402,932 alleles (0.53%); highest among the groups gnomAD compares: African/African-American, 4.1%; 41 homozygotes.

Submission:

Illumina Laboratory Services, Illumina
Classification: Benign for Hereditary orotic aciduria. Last evaluated: 2018-01-13. Review status: criteria provided, single submitter. Criteria: ICSL Variant Classification Criteria 13 December 2019. Collection method: clinical testing. Allele origin: germline.
Comment: This variant was observed in the ICSL laboratory as part of a predisposition screen in an ostensibly healthy population. It had not been previously curated by ICSL or reported in the Human Gene Mutation Database (HGMD: prior to June 1st, 2018), and was therefore a candidate for classification through an automated scoring system. Utilizing variant allele frequency, disease prevalence and penetrance estimates, and inheritance mode, an automated score was calculated to assess if this variant is too frequent to cause the disease. Based on the score and internal cut-off values, a variant classified as benign is not then subjected to further curation. The score for this variant resulted in a classification of benign for this disease.